The following is an entry in ClinVar:

ClinVar aggregate classification (germline): Uncertain significance (1 of 4 stars; one submission).

gnomAD v4.1: 19 of 1,613,864 alleles (0.0012%); highest among the groups gnomAD compares: Non-Finnish European, 0.00034%; no homozygotes.

Submission:

Labcorp Genetics (formerly Invitae), Labcorp
Classification: Uncertain significance. Last evaluated: 2024-04-05. Review status: criteria provided, single submitter. Criteria: Invitae Variant Classification Sherloc (09022015). Collection method: clinical testing. Allele origin: germline.
Comment: This sequence change affects codon 488 of the CSF2RB mRNA. It is a 'silent' change, meaning that it does not change the encoded amino acid sequence of the CSF2RB protein. This variant also falls at the last nucleotide of exon 12, which is part of the consensus splice site for this exon. This variant is present in population databases (rs756375669, gnomAD 0.02%). This variant has not been reported in the literature in individuals affected with CSF2RB-related conditions. Variants that disrupt the consensus splice site are a relatively common cause of aberrant splicing (PMID: 17576681, 9536098). Algorithms developed to predict the effect of sequence changes on RNA splicing suggest that this variant is not likely to affect RNA splicing. In summary, the available evidence is currently insufficient to determine the role of this variant in disease. Therefore, it has been classified as a Variant of Uncertain Significance.

Literature cited by the submitters: PubMed 17576681; PubMed 9536098.

NM_000395.3(CSF2RB):c.1464G>A (p.Gln488=)

Gene: CSF2RB (colony stimulating factor 2 receptor subunit beta; plus strand). Cytogenetic location: 22q12.3.
Variant type: single nucleotide variant.
Coding change: c.1464G>A on transcript NM_000395.3 (MANE Select); coding-DNA position 1464, G replaced by A.
Protein change: p.Gln488=; no amino-acid change (glutamine 488 retained).
Molecular consequence: synonymous variant.
Genome position (GRCh38, 1-based): chr22:36,935,687, G>A. VCF-style: chr22-36935687-G-A. GRCh37 (hg19) VCF-style: chr22-37331729-G-A.
Other names: c.1482G>A, p.Gln494= (NM_001410827.1).
Identifiers: ClinVar variation 3693458 (VCV003693458.2).